The following is an entry in ClinVar:

NM_001845.6(COL4A1):c.1381G>T (p.Gly461Cys)

Genes: COL4A1 (collagen type IV alpha 1 chain; minus strand), LOC126861856 (BRD4-independent group 4 enhancer GRCh37_chr13:110846747-110847946; plus strand). Cytogenetic location: 13q34.
Variant type: single nucleotide variant.
Coding change: c.1381G>T on transcript NM_001845.6 (MANE Select); coding-DNA position 1381, G replaced by T.
Protein change: p.Gly461Cys; replaces glycine 461 with cysteine.
Molecular consequence: missense variant.
Genome position (GRCh38, 1-based): chr13:110,195,023, C>A on the plus strand (G>T on the coding strand, the complement: COL4A1 is on the minus strand). VCF-style: chr13-110195023-C-A. GRCh37 (hg19) VCF-style: chr13-110847370-C-A.
Other names: c.1381G>T, p.Gly461Cys (NM_001303110.2); short protein forms G461C.
Identifiers: ClinVar variation 4730341 (VCV004730341.1).
Genomic context (GRCh38, chr13:110,195,023, plus strand): 5'-GTGGGAAAAAATCATACGCAAAGACACAACCACCATTTTAAAAAAATCAAAATTTCTTAC[C>A]TTTCTCTCCAATTTCGCCTATAAATCCTGGCTGCCCTGGAATTCCAGGAGGACCCTGGTC-3'
Protein context (NP_001836.3, residues 451-471): PGFIGEIGEK[Gly461Cys]QKGESCLICD

ClinVar aggregate classification (germline): Pathogenic (1 of 4 stars; one submission).

Submission:

Labcorp Genetics (formerly Invitae), Labcorp
Classification: Pathogenic. Last evaluated: 2025-11-02. Review status: criteria provided, single submitter. Criteria: Invitae Variant Classification Sherloc (09022015). Collection method: clinical testing. Allele origin: germline.
Comment: This sequence change replaces glycine, which is neutral and non-polar, with cysteine, which is neutral and slightly polar, at codon 461 of the COL4A1 protein (p.Gly461Cys). This variant also falls at the last nucleotide of exon 22, which is part of the consensus splice site for this exon. This variant is not present in population databases (gnomAD no frequency). This variant has not been reported in the literature in individuals affected with COL4A1-related conditions. An algorithm developed to predict the effect of missense changes on protein structure and function (PolyPhen-2) suggests that this variant is likely to be tolerated. Variants that disrupt the consensus splice site are a relatively common cause of aberrant splicing (PMID: 17576681, 9536098). This variant disrupts the triple helix domain of COL4A1. Glycine residues within the Gly-Xaa-Yaa repeats of the triple helix domain are required for the structure and stability of fibrillar collagens (PMID: 7695699, 8218237, 19344236). In COL4A1 variants affecting these glycine residues are significantly enriched in individuals with disease (PMID: 9016532, 17078022) compared to the general population (ExAC). For these reasons, this variant has been classified as Pathogenic.

Literature cited by the submitters: PubMed 17576681; PubMed 9536098; PubMed 7695699; PubMed 8218237; PubMed 19344236; PubMed 9016532; PubMed 17078022.